The following is an entry in ClinVar:

NM_005751.5(AKAP9):c.1165_1166del (p.Gln389fs)

Gene: AKAP9 (A-kinase anchoring protein 9; plus strand). Cytogenetic location: 7q21.2.
Variant type: Deletion.
Coding change: c.1165_1166del on transcript NM_005751.5 (MANE Select); coding-DNA positions 1165 to 1166, 2 bases deleted (CA; older notation c.1165_1166delCA).
Protein change: p.Gln389fs; shifts the reading frame from glutamine 389.
Molecular consequence: frameshift variant.
Genome position (GRCh38, 1-based): chr7:92,001,082-92,001,083, CA deleted; deleting any 2 consecutive bases within chr7:92,001,081-92,001,083 gives the same sequence; the c. name uses the placement nearest the transcript's 3' end. VCF-style (leftmost placement, unchanged base first): chr7-92001080-GAC-G. GRCh37 (hg19) VCF-style: chr7-91630394-GAC-G.
Other names: c.1165_1166del, p.Gln389fs (NM_147185.3); short protein forms Q389fs.
Identifiers: ClinVar variation 2449740 (VCV002449740.2), dbSNP rs764321112, ClinGen allele CA4335966.
Genomic context (GRCh38, chr7:92,001,080, plus strand): 5'-AAAAGAACCAAGAAATAAAAAACATGAAATTAGAGCTGACTAATTCTAAGCAAAAAGAAA[GAC>G]AGTCTTCTGAAGAAATAAAACAGTTAATGGGGACAGTCGAAGAACTTCAGAAGAGAAATC-3'

ClinVar aggregate classification (germline): Uncertain significance (1 of 4 stars; one submission).

Conditions:
Cardiovascular phenotype. Identifiers: MedGen CN230736.

Submission:

Ambry Genetics
Classification: Uncertain significance for Cardiovascular phenotype. Last evaluated: 2022-12-08. Review status: criteria provided, single submitter. Criteria: Ambry Variant Classification Scheme 2023. Collection method: clinical testing. Allele origin: germline.
Comment: The c.1165_1166delCA variant, located in coding exon 8 of the AKAP9 gene, results from a deletion of two nucleotides at nucleotide positions 1165 to 1166, causing a translational frameshift with a predicted alternate stop codon (p.Q389Vfs*3). This alteration is expected to result in protein truncation or nonsense-mediated mRNA decay. However, loss of function of AKAP9 has not been established as a mechanism of disease. The evidence for this gene-disease relationship is limited; therefore, the clinical significance of this alteration is unclear.